The following is an entry in ClinVar:

NM_016356.5(DCDC2):c.1018G>A (p.Asp340Asn)

Gene: DCDC2 (doublecortin domain containing 2; minus strand). Cytogenetic location: 6p22.3.
Variant type: single nucleotide variant.
Coding change: c.1018G>A on transcript NM_016356.5 (MANE Select); coding-DNA position 1018, G replaced by A.
Protein change: p.Asp340Asn; replaces aspartic acid 340 with asparagine.
Molecular consequence: missense variant.
Genome position (GRCh38, 1-based): chr6:24,205,007, C>T on the plus strand (G>A on the coding strand, the complement: DCDC2 is on the minus strand). VCF-style: chr6-24205007-C-T. GRCh37 (hg19) VCF-style: chr6-24205235-C-T.
Other names: c.1018G>A, p.Asp340Asn (NM_001195610.2); short protein forms D340N.
Identifiers: ClinVar variation 1175738 (VCV001175738.37), dbSNP rs1389720008, ClinGen allele CA363277394.
Genomic context (GRCh38, chr6:24,205,007, plus strand): 5'-TGGAAAAAAAACACTATAATTGTCTTACACATATTTTTTAAGGCATGGAGATTACCTGAT[C>T]GACTGGAACCTCAACCTGAGTATCTTCATCTTCTTGGACTTCTGCTGCCCCCCGTGTTTC-3'
Protein context (NP_057440.2, residues 330-350): DEDTQVEVPV[Asp340Asn]QRPAEIVDEE

ClinVar aggregate classification (germline): Uncertain significance. Review status: criteria provided, multiple submitters, no conflicts (2 of 4 stars). 3 submissions from 3 submitters: Uncertain significance (3). Last evaluated 2025-09-23.

Conditions:
Isolated neonatal sclerosing cholangitis (NSC). Also called: Sclerosing cholangitis, neonatal. Identifiers: Orphanet 480556, MedGen C4479344, MONDO:0018816, OMIM 617394.
Autosomal recessive nonsyndromic hearing loss 66 (DFNB66). Also called: Deafness, autosomal recessive 66. Identifiers: Orphanet 90636, MedGen C1857750, MONDO:0012442, OMIM 610212.
Nephronophthisis 19 (NPHP19). Identifiers: Orphanet 84081, MedGen C4015542, MONDO:0014537, OMIM 616217.

Allele frequency attached by ClinVar (database versions not stated): gnomAD exomes below 0.00001.
gnomAD v4.1: 5 of 1,612,900 alleles (0.00031%); highest among the groups gnomAD compares: Admixed American, 0.0017%; no homozygotes.

Submissions (3):

Labcorp Genetics (formerly Invitae), Labcorp
Classification: Uncertain significance for Autosomal recessive nonsyndromic hearing loss 66; Isolated neonatal sclerosing cholangitis. Last evaluated: 2025-09-23. Review status: criteria provided, single submitter. Criteria: Invitae Variant Classification Sherloc (09022015). Collection method: clinical testing. Allele origin: germline.
Comment: This sequence change replaces aspartic acid, which is acidic and polar, with asparagine, which is neutral and polar, at codon 340 of the DCDC2 protein (p.Asp340Asn). This variant is present in population databases (no rsID available, gnomAD 0.003%). This variant has not been reported in the literature in individuals affected with DCDC2-related conditions. ClinVar contains an entry for this variant (Variation ID: 1175738). Invitae Evidence Modeling of protein sequence and biophysical properties (such as structural, functional, and spatial information, amino acid conservation, physicochemical variation, residue mobility, and thermodynamic stability) indicates that this missense variant is not expected to disrupt DCDC2 protein function with a negative predictive value of 80%. In summary, the available evidence is currently insufficient to determine the role of this variant in disease. Therefore, it has been classified as a Variant of Uncertain Significance.

Fulgent Genetics
Classification: Uncertain significance for Autosomal recessive nonsyndromic hearing loss 66; Nephronophthisis 19; Isolated neonatal sclerosing cholangitis. Last evaluated: 2024-02-19. Review status: criteria provided, single submitter. Criteria: ACMG Guidelines, 2015. Collection method: clinical testing. Allele origin: germline.

CeGaT Center for Human Genetics Tuebingen
Classification: Uncertain significance. Last evaluated: 2021-03-01. Review status: criteria provided, single submitter. Criteria: CeGaT Center For Human Genetics Tuebingen Variant Classification Criteria Version 2. Collection method: clinical testing. Allele origin: germline. Affected: yes. Observed: 1 variant allele.